The following is an entry in ClinVar:

ClinVar aggregate classification (germline): Benign/Likely benign. Review status: criteria provided, multiple submitters, no conflicts (2 of 4 stars). 3 submissions from 3 submitters: Benign (1); Likely benign (2). Last evaluated 2026-07-13.

Conditions:
Rhabdoid tumor predisposition syndrome 2 (RTPS2). Identifiers: Orphanet 231108, Orphanet 69077, MedGen C2750074, MONDO:0013224, OMIM 613325.
Hereditary cancer-predisposing syndrome. Also called: Tumor predisposition; Neoplastic Syndromes, Hereditary; Hereditary Cancer Syndrome; Hereditary neoplastic syndrome. Identifiers: Orphanet 140162, MedGen C0027672, MeSH D009386, MONDO:0015356.

Allele frequency attached by ClinVar (database versions not stated): TOPMed below 0.00001.

Submissions (3):

Myriad Genetics, Inc.
Classification: Benign for Rhabdoid tumor predisposition syndrome 2. Last evaluated: 2026-07-13. Review status: criteria provided, single submitter. Criteria: Myriad Autosomal Dominant, Autosomal Recessive and X-Linked Classification Criteria (2023). Collection method: clinical testing. Allele origin: unknown.
Comment: This variant is considered benign. This variant is a silent/synonymous amino acid change and it is not expected to impact splicing.

Labcorp Genetics (formerly Invitae), Labcorp
Classification: Likely benign for Rhabdoid tumor predisposition syndrome 2. Last evaluated: 2025-10-17. Review status: criteria provided, single submitter. Criteria: Invitae Variant Classification Sherloc (09022015). Collection method: clinical testing. Allele origin: germline.

Ambry Genetics
Classification: Likely benign for Hereditary cancer-predisposing syndrome. Last evaluated: 2016-09-30. Review status: criteria provided, single submitter. Criteria: Ambry Variant Classification Scheme 2023. Collection method: clinical testing. Allele origin: germline.

NM_003072.5(SMARCA4):c.2745G>A (p.Gln915=)

Gene: SMARCA4 (SWI/SNF related BAF chromatin remodeling complex subunit ATPase 4; plus strand). Cytogenetic location: 19p13.2.
Variant type: single nucleotide variant.
Coding change: c.2745G>A on transcript NM_003072.5 (MANE Select); coding-DNA position 2745, G replaced by A.
Protein change: p.Gln915=; no amino-acid change (glutamine 915 retained).
Molecular consequence: synonymous variant. On other transcripts: non-coding transcript variant (1).
Genome position (GRCh38, 1-based): chr19:11,021,853, G>A. VCF-style: chr19-11021853-G-A. GRCh37 (hg19) VCF-style: chr19-11132529-G-A.
Other names: c.2745G>A, p.Gln915= (NM_001128849.3, NM_001374457.1, NM_001387283.1 and 5 more transcripts).
Identifiers: ClinVar variation 484926 (VCV000484926.7), dbSNP rs1555778745, ClinGen allele CA505743599.